The following is an entry in ClinVar:

NM_014795.4(ZEB2):c.607A>G (p.Thr203Ala)

Gene: ZEB2 (zinc finger E-box binding homeobox 2; minus strand). Cytogenetic location: 2q22.3.
Variant type: single nucleotide variant.
Coding change: c.607A>G on transcript NM_014795.4 (MANE Select); coding-DNA position 607, A replaced by G.
Protein change: p.Thr203Ala; replaces threonine 203 with alanine.
Molecular consequence: missense variant.
Genome position (GRCh38, 1-based): chr2:144,404,116, T>C on the plus strand (A>G on the coding strand, the complement: ZEB2 is on the minus strand). VCF-style: chr2-144404116-T-C. GRCh37 (hg19) VCF-style: chr2-145161683-T-C.
Other names: c.535A>G, p.Thr179Ala (NM_001171653.2); short protein forms T179A, T203A.
Identifiers: ClinVar variation 5017154 (VCV005017154.1).

ClinVar aggregate classification (germline): Uncertain significance (1 of 4 stars; one submission).

Submission:

GeneDx
Classification: Uncertain significance. Last evaluated: 2026-03-20. Review status: criteria provided, single submitter. Criteria: GeneDx Variant Classification Process June 2021. Collection method: clinical testing. Allele origin: germline.
Comment: Not observed at significant frequency in large population cohorts (gnomAD); In silico analysis suggests that this missense variant does not alter protein structure/function; Has not been previously published as pathogenic or benign to our knowledge